The following is an entry in ClinVar:

ClinVar aggregate classification (germline): Uncertain significance. Review status: criteria provided, multiple submitters, no conflicts (2 of 4 stars). 3 submissions from 3 submitters: Uncertain significance (3). Last evaluated 2025-08-15.

Conditions:
Inborn genetic diseases. Identifiers: MedGen C0950123, MeSH D030342.

Allele frequency attached by ClinVar (database versions not stated): gnomAD 0.00003; gnomAD exomes 0.00003; TOPMed 0.00003.
gnomAD v4.1: 47 of 1,614,004 alleles (0.0029%); highest among the groups gnomAD compares: East Asian, 0.018%; no homozygotes.

Submissions (3):

Ambry Genetics
Classification: Uncertain significance for Inborn genetic diseases. Last evaluated: 2025-08-15. Review status: criteria provided, single submitter. Criteria: Ambry Variant Classification Scheme 2023. Collection method: clinical testing. Allele origin: germline.

Labcorp Genetics (formerly Invitae), Labcorp
Classification: Uncertain significance. Last evaluated: 2022-07-30. Review status: criteria provided, single submitter. Criteria: Invitae Variant Classification Sherloc (09022015). Collection method: clinical testing. Allele origin: germline.
Comment: This sequence change replaces glycine, which is neutral and non-polar, with serine, which is neutral and polar, at codon 167 of the EXTL3 protein (p.Gly167Ser). The frequency data for this variant in the population databases is considered unreliable, as metrics indicate poor data quality at this position in the gnomAD database. This variant has not been reported in the literature in individuals affected with EXTL3-related conditions. Algorithms developed to predict the effect of missense changes on protein structure and function (SIFT, PolyPhen-2, Align-GVGD) all suggest that this variant is likely to be tolerated. In summary, the available evidence is currently insufficient to determine the role of this variant in disease. Therefore, it has been classified as a Variant of Uncertain Significance.

Blueprint Genetics
Classification: Uncertain significance. Last evaluated: 2019-12-27. Review status: criteria provided, single submitter. Criteria: ACMG Guidelines, 2015. Collection method: clinical testing. Allele origin: germline.

NM_001440.4(EXTL3):c.499G>A (p.Gly167Ser)

Gene: EXTL3 (exostosin like glycosyltransferase 3; plus strand). Cytogenetic location: 8p21.1.
Variant type: single nucleotide variant.
Coding change: c.499G>A on transcript NM_001440.4 (MANE Select); coding-DNA position 499, G replaced by A.
Protein change: p.Gly167Ser; replaces glycine 167 with serine.
Molecular consequence: missense variant.
Genome position (GRCh38, 1-based): chr8:28,716,558, G>A. VCF-style: chr8-28716558-G-A. GRCh37 (hg19) VCF-style: chr8-28574075-G-A.
Other names: c.499G>A (NM_001440.2); short protein forms G167S.
Identifiers: ClinVar variation 1908182 (VCV001908182.4), dbSNP rs1207644267, ClinGen allele CA370856444.